The following is an entry in ClinVar:

NM_000334.4(SCN4A):c.14_18del (p.Ser5fs)

Gene: SCN4A (sodium voltage-gated channel alpha subunit 4; minus strand). Cytogenetic location: 17q23.3.
Variant type: Deletion.
Coding change: c.14_18del on transcript NM_000334.4 (MANE Select); coding-DNA positions 14 to 18, 5 bases deleted (CTCTG; older notation c.14_18delCTCTG).
Protein change: p.Ser5fs; shifts the reading frame from serine 5.
Molecular consequence: frameshift variant.
Genome position (GRCh38, 1-based): chr17:63,972,824-63,972,828, CAGAG deleted on the plus strand (CTCTG on the coding strand, the reverse complement: SCN4A is on the minus strand). VCF-style (leftmost placement, unchanged base first): chr17-63972823-ACAGAG-A. GRCh37 (hg19) VCF-style: chr17-62050183-ACAGAG-A.
Other names: short protein forms S5fs.
Identifiers: ClinVar variation 4728986 (VCV004728986.1).

ClinVar aggregate classification (germline): Pathogenic (1 of 4 stars; one submission).

Conditions:
Hyperkalemic periodic paralysis. Also called: Familial hyperkalemic periodic paralysis; Gamstorp disease. Identifiers: Orphanet 682, MedGen C0238357, MONDO:0008224, OMIM 170500, HP:0007215.

Submission:

Labcorp Genetics (formerly Invitae), Labcorp
Classification: Pathogenic for Hyperkalemic periodic paralysis. Last evaluated: 2025-10-28. Review status: criteria provided, single submitter. Criteria: Invitae Variant Classification Sherloc (09022015). Collection method: clinical testing. Allele origin: germline.
Comment: This sequence change creates a premature translational stop signal (p.Ser5Leufs*9) in the SCN4A gene. It is expected to result in an absent or disrupted protein product. Loss-of-function variants in SCN4A are known to be pathogenic (PMID: 26700687). This variant is not present in population databases (gnomAD no frequency). This variant has not been reported in the literature in individuals affected with SCN4A-related conditions. For these reasons, this variant has been classified as Pathogenic.

Literature cited by the submitters: PubMed 26700687.